The following is an entry in ClinVar:

ClinVar aggregate classification (germline): Uncertain significance (1 of 4 stars; one submission).

Conditions:
Hereditary cancer-predisposing syndrome. Also called: Neoplastic Syndromes, Hereditary; Tumor predisposition; Hereditary Cancer Syndrome; Hereditary neoplastic syndrome. Identifiers: Orphanet 140162, MedGen C0027672, MeSH D009386, MONDO:0015356.

Submission:

Ambry Genetics
Classification: Uncertain significance for Hereditary cancer-predisposing syndrome. Last evaluated: 2021-09-13. Review status: criteria provided, single submitter. Criteria: Ambry Variant Classification Scheme 2023. Collection method: clinical testing. Allele origin: germline.
Comment: The p.G551V variant (also known as c.1652G>T), located in coding exon 4 of the MSH6 gene, results from a G to T substitution at nucleotide position 1652. The glycine at codon 551 is replaced by valine, an amino acid with dissimilar properties. This amino acid position is highly conserved in available vertebrate species. In addition, this alteration is predicted to be deleterious by in silico analysis. Since supporting evidence is limited at this time, the clinical significance of this alteration remains unclear.

NM_000179.3(MSH6):c.1652G>T (p.Gly551Val)

Gene: MSH6 (mutS homolog 6; plus strand). Cytogenetic location: 2p16.3.
Variant type: single nucleotide variant.
Coding change: c.1652G>T on transcript NM_000179.3 (MANE Select); coding-DNA position 1652, G replaced by T.
Protein change: p.Gly551Val; replaces glycine 551 with valine.
Molecular consequence: missense variant.
Genome position (GRCh38, 1-based): chr2:47,799,635, G>T. VCF-style: chr2-47799635-G-T. GRCh37 (hg19) VCF-style: chr2-48026774-G-T.
Other names: c.1262G>T, p.Gly421Val (NM_001281492.2); c.746G>T, p.Gly249Val (NM_001281493.2, NM_001281494.2, NM_001406811.1 and 6 more transcripts); c.1748G>T, p.Gly583Val (NM_001406795.1, NM_001406802.1); c.1652G>T, p.Gly551Val (NM_001406796.1, NM_001406798.1, NM_001406800.1 and 3 more transcripts); c.1355G>T, p.Gly452Val (NM_001406797.1, NM_001406801.1, NM_001406805.1 and 10 more transcripts); c.1127G>T, p.Gly376Val (NM_001406799.1, NM_001406806.1, NM_001406807.1); c.1574G>T, p.Gly525Val (NM_001406804.1); c.1658G>T, p.Gly553Val (NM_001406813.1); and 1 more; short protein forms G452V, G495V, G553V, G583V, G421V, G376V, G249V, G525V.
Identifiers: ClinVar variation 1777281 (VCV001777281.2), dbSNP rs587779917, ClinGen allele CA346747288.